The following is an entry in ClinVar:

ClinVar aggregate classification (germline): Uncertain significance. Review status: criteria provided, multiple submitters, no conflicts (2 of 4 stars). 5 submissions from 5 submitters: Uncertain significance (4). 1 of the submissions does not count toward it. Last evaluated 2025-10-03.

Conditions:
LRBA-related disorder. Also called: LRBA-related condition.
Combined immunodeficiency due to LRBA deficiency. Also called: Common variable immunodeficiency 8, with autoimmunity. Identifiers: Orphanet 445018, MedGen C3553512, MONDO:0013863, OMIM 614700.
Inborn genetic diseases. Identifiers: MedGen C0950123, MeSH D030342.

gnomAD v4.1: 21 of 1,614,010 alleles (0.0013%); highest among the groups gnomAD compares: East Asian, 0.038%; no homozygotes.

Submissions (5):

Mayo Clinic Laboratories, Mayo Clinic
Classification: Uncertain significance. Last evaluated: 2025-10-03. Review status: criteria provided, single submitter. Criteria: ACMG Guidelines, 2015. Collection method: clinical testing. Allele origin: germline. Observed: 1 variant allele.
Comment: BP4

GeneDx
Classification: Uncertain significance. Last evaluated: 2025-01-29. Review status: criteria provided, single submitter. Criteria: GeneDx Variant Classification Process June 2021. Collection method: clinical testing. Allele origin: germline. Affected: yes.
Comment: In silico analysis supports that this missense variant has a deleterious effect on protein structure/function; Has not been previously published as pathogenic or benign to our knowledge

Labcorp Genetics (formerly Invitae), Labcorp
Classification: Uncertain significance for Combined immunodeficiency due to LRBA deficiency. Last evaluated: 2024-07-24. Review status: criteria provided, single submitter. Criteria: Invitae Variant Classification Sherloc (09022015). Collection method: clinical testing. Allele origin: germline.
Comment: This sequence change replaces histidine, which is basic and polar, with tyrosine, which is neutral and polar, at codon 2753 of the LRBA protein (p.His2753Tyr). This variant is present in population databases (rs200580681, gnomAD 0.1%). This variant has not been reported in the literature in individuals affected with LRBA-related conditions. Advanced modeling of protein sequence and biophysical properties (such as structural, functional, and spatial information, amino acid conservation, physicochemical variation, residue mobility, and thermodynamic stability) performed at Invitae indicates that this missense variant is expected to disrupt LRBA protein function with a positive predictive value of 80%. In summary, the available evidence is currently insufficient to determine the role of this variant in disease. Therefore, it has been classified as a Variant of Uncertain Significance.

Ambry Genetics
Classification: Uncertain significance for Inborn genetic diseases. Last evaluated: 2024-04-23. Review status: criteria provided, single submitter. Criteria: Ambry Variant Classification Scheme 2023. Collection method: clinical testing. Allele origin: germline.

PreventionGenetics, part of Exact Sciences
Classification: Uncertain significance for LRBA-related condition. Last evaluated: 2024-08-31. Review status: no assertion criteria provided. Collection method: clinical testing. Allele origin: germline. Not counted in ClinVar's aggregate classification.
Comment: The LRBA c.8257C>T variant is predicted to result in the amino acid substitution p.His2753Tyr. To our knowledge, this variant has not been reported in the literature. This variant is reported in 0.075% of alleles in individuals of East Asian descent in gnomAD. At this time, the clinical significance of this variant is uncertain due to the absence of conclusive functional and genetic evidence.

NM_001364905.1(LRBA):c.8224C>T (p.His2742Tyr)

Gene: LRBA (LPS responsive beige-like anchor protein; minus strand). Cytogenetic location: 4q31.3.
Variant type: single nucleotide variant.
Coding change: c.8224C>T on transcript NM_001364905.1 (MANE Select); coding-DNA position 8224, C replaced by T.
Protein change: p.His2742Tyr; replaces histidine 2742 with tyrosine.
Molecular consequence: missense variant.
Genome position (GRCh38, 1-based): chr4:150,282,542, G>A on the plus strand (C>T on the coding strand, the complement: LRBA is on the minus strand). VCF-style: chr4-150282542-G-A. GRCh37 (hg19) VCF-style: chr4-151203694-G-A.
Other names: p.His2753Tyr; c.8221C>T, p.His2741Tyr (NM_001199282.3); c.8239C>T, p.His2747Tyr (NM_001367550.1); c.8257C>T, p.His2753Tyr (NM_006726.5); short protein forms H2742Y, H2753Y, H2741Y, H2747Y.
Identifiers: ClinVar variation 3291217 (VCV003291217.5).